The following is an entry in ClinVar:

ClinVar aggregate classification (germline): Benign/Likely benign. Review status: criteria provided, multiple submitters, no conflicts (2 of 4 stars). 4 submissions from 4 submitters: Benign (1); Likely benign (3). Last evaluated 2025-12-18.

Conditions:
Hereditary spastic paraplegia 48. Also called: SPASTIC PARAPLEGIA 48, AUTOSOMAL RECESSIVE; Spastic paraplegia 48. Identifiers: Orphanet 306511, MedGen C3150901, MONDO:0013342, OMIM 613647.
Hereditary spastic paraplegia. Also called: Familial spastic paraparesis. Identifiers: Orphanet 685, MedGen C0037773, MONDO:0019064. Disease mechanism: loss of function.

Allele frequency attached by ClinVar (database versions not stated): 1000 Genomes Project 30x 0.00031; 1000 Genomes Project 0.00040; gnomAD exomes 0.00040 and 0.00049; ExAC 0.00044; gnomAD 0.00112; ESP Exome Variant Server 0.00114; TOPMed 0.00117.
gnomAD v4.1: 876 of 1,610,320 alleles (0.054%); highest among the groups gnomAD compares: African/African-American, 0.31%; no homozygotes.

Submissions (4):

Labcorp Genetics (formerly Invitae), Labcorp
Classification: Benign for Hereditary spastic paraplegia 48. Last evaluated: 2025-12-18. Review status: criteria provided, single submitter. Criteria: Invitae Variant Classification Sherloc (09022015). Collection method: clinical testing. Allele origin: germline.

Women's Health and Genetics/Laboratory Corporation of America, LabCorp
Classification: Likely benign. Last evaluated: 2025-07-20. Review status: criteria provided, single submitter. Criteria: LabCorp Variant Classification Summary - May 2015. Collection method: clinical testing. Allele origin: germline.

CeGaT Center for Human Genetics Tuebingen
Classification: Likely benign. Last evaluated: 2022-04-01. Review status: criteria provided, single submitter. Criteria: CeGaT Center For Human Genetics Tuebingen Variant Classification Criteria Version 2. Collection method: clinical testing. Allele origin: germline. Affected: yes. Observed: 1 variant allele.
Comment: AP5Z1: BP4, BP7

Genome Diagnostics Laboratory, The Hospital for Sick Children
Classification: Likely benign for Hereditary spastic paraplegia. Last evaluated: 2021-06-16. Review status: criteria provided, single submitter. Criteria: ACMG Guidelines, 2015. Collection method: clinical testing. Allele origin: germline. Affected: yes.

NM_014855.3(AP5Z1):c.1155G>A (p.Ser385=)

Gene: AP5Z1 (adaptor related protein complex 5 subunit zeta 1; plus strand). Cytogenetic location: 7p22.1.
Variant type: single nucleotide variant.
Coding change: c.1155G>A on transcript NM_014855.3 (MANE Select); coding-DNA position 1155, G replaced by A.
Protein change: p.Ser385=; no amino-acid change (serine 385 retained).
Molecular consequence: synonymous variant. On other transcripts: non-coding transcript variant (1).
Genome position (GRCh38, 1-based): chr7:4,786,272, G>A. VCF-style: chr7-4786272-G-A. GRCh37 (hg19) VCF-style: chr7-4825903-G-A.
Other names: c.687G>A, p.Ser229= (NM_001364858.1).
Identifiers: ClinVar variation 696635 (VCV000696635.37), dbSNP rs370926189, ClinGen allele CA4137662.